The following is an entry in ClinVar:

NM_015425.6(POLR1A):c.1082A>C (p.Asp361Ala)

Gene: POLR1A (RNA polymerase I subunit A; minus strand). Cytogenetic location: 2p11.2.
Variant type: single nucleotide variant.
Coding change: c.1082A>C on transcript NM_015425.6 (MANE Select); coding-DNA position 1082, A replaced by C.
Protein change: p.Asp361Ala; replaces aspartic acid 361 with alanine.
Molecular consequence: missense variant.
Genome position (GRCh38, 1-based): chr2:86,080,820, T>G on the plus strand (A>C on the coding strand, the complement: POLR1A is on the minus strand). VCF-style: chr2-86080820-T-G. GRCh37 (hg19) VCF-style: chr2-86307943-T-G.
Other names: short protein forms D361A.
Identifiers: ClinVar variation 1487101 (VCV001487101.8), dbSNP rs2104421804, ClinGen allele CA347553094.

ClinVar aggregate classification (germline): Uncertain significance (1 of 4 stars; one submission).

Submission:

Labcorp Genetics (formerly Invitae), Labcorp
Classification: Uncertain significance. Last evaluated: 2022-07-19. Review status: criteria provided, single submitter. Criteria: Invitae Variant Classification Sherloc (09022015). Collection method: clinical testing. Allele origin: germline.
Comment: Algorithms developed to predict the effect of missense changes on protein structure and function are either unavailable or do not agree on the potential impact of this missense change (SIFT: "Not Available"; PolyPhen-2: "Benign"; Align-GVGD: "Not Available"). In summary, the available evidence is currently insufficient to determine the role of this variant in disease. Therefore, it has been classified as a Variant of Uncertain Significance. ClinVar contains an entry for this variant (Variation ID: 1487101). This variant has not been reported in the literature in individuals affected with POLR1A-related conditions. This variant is not present in population databases (gnomAD no frequency). This sequence change replaces aspartic acid, which is acidic and polar, with alanine, which is neutral and non-polar, at codon 361 of the POLR1A protein (p.Asp361Ala).